The following is an entry in ClinVar:

NM_007294.4(BRCA1):c.4186-3102dup

Gene: BRCA1 (BRCA1 DNA repair associated; minus strand). Cytogenetic location: 17q21.31.
Variant type: Duplication.
Coding change: c.4186-3102dup on transcript NM_007294.4 (MANE Select); 3102 bases into the intron before coding-DNA position 4186, one base duplicated (T; older notation c.4186-3102dupT).
Molecular consequence: intron variant.
Genome position (GRCh38, 1-based): chr17:43,085,677, A duplicated on the plus strand (T on the coding strand, the reverse complement: BRCA1 is on the minus strand); the first of 2 consecutive A bases (chr17:43,085,677-43,085,678); duplicating either gives the same sequence. VCF-style (leftmost placement, unchanged base first): chr17-43085676-T-TA. GRCh37 (hg19) VCF-style: chr17-41237693-T-TA.
Other names: IVS 12-3102insT; c.4186-3102_4186-3101insT (NM_007294.3); c.736-3102dup (NM_001408410.1, NM_001408458.1, NM_001408453.1 and 8 more transcripts); c.4042-3102dup (NM_001407741.1, NM_001407747.1, NM_001407839.1 and 17 more transcripts); c.799-3102dup (NM_001408415.1, NM_001408412.1, NM_001408409.1 and 2 more transcripts); c.667-3102dup (NM_001408483.1, NM_001408481.1, NM_001408480.1 and 6 more transcripts); c.4183-3102dup (NM_001407634.1, NM_001407610.1, NM_001407613.1 and 14 more transcripts); c.754-3105dup (NM_001408442.1, NM_001408444.1, NM_001408443.1 and 1 more transcripts); and 66 more.
Identifiers: ClinVar variation 209419 (VCV000209419.2), dbSNP rs8176175, ClinGen allele CA276391.

ClinVar aggregate classification (germline): Benign. Review status: reviewed by expert panel (3 of 4 stars). 2 submissions from 2 submitters: Benign (1). 1 of the submissions does not count toward it. Last evaluated 2015-01-12.

Conditions:
Hereditary cancer-predisposing syndrome. Also called: Tumor predisposition; Hereditary Cancer Syndrome; Neoplastic Syndromes, Hereditary; Hereditary neoplastic syndrome. Identifiers: Orphanet 140162, MedGen C0027672, MeSH D009386, MONDO:0015356.
Breast-ovarian cancer, familial, susceptibility to, 1 (BROVCA1). Also called: BRCA1 Hereditary Breast and Ovarian Cancer; OVARIAN CANCER, SUSCEPTIBILITY TO. Identifiers: Orphanet 145, MedGen C2676676, MONDO:0011450, OMIM 604370. Disease mechanism: loss of function.

Submissions (2):

Evidence-based Network for the Interpretation of Germline Mutant Alleles (ENIGMA)
Classification: Benign for Breast-ovarian cancer, familial 1. Last evaluated: 2015-01-12. Review status: reviewed by expert panel. Criteria: ENIGMA BRCA1/2 Classification Criteria (2015). Collection method: curation. Allele origin: germline.
Comment: Class 1 not pathogenic based on frequency >1% in an outbred sampleset. Frequency 0.08 (Asian), derived from 1000 genomes (2012-04-30).

Sema4
Classification: Benign for Hereditary cancer-predisposing syndrome. Last evaluated: 2020-02-24. Review status: criteria provided, single submitter. Criteria: Sema4 Curation Guidelines. Collection method: curation. Allele origin: germline. Not counted in ClinVar's aggregate classification.